The following is an entry in ClinVar:

ClinVar aggregate classification (germline): Uncertain significance (1 of 4 stars; one submission).

gnomAD v4.1: 1 of 1,612,832 alleles (0.000062%); highest among the groups gnomAD compares: African/African-American, 0.0013%; no homozygotes.

Submission:

Ambry Genetics
Classification: Uncertain significance. Last evaluated: 2025-12-02. Review status: criteria provided, single submitter. Criteria: Ambry Variant Classification Scheme 2023. Collection method: clinical testing. Allele origin: germline.
Comment: The p.G761A variant (also known as c.2282G>C), located in coding exon 12 of the ATRIP gene, results from a G to C substitution at nucleotide position 2282. The glycine at codon 761 is replaced by alanine, an amino acid with similar properties. This amino acid position is conserved. In addition, this alteration is predicted to be tolerated by in silico analysis. Based on the available evidence, the clinical significance of this variant remains unclear.

NM_130384.3(ATRIP):c.2282G>C (p.Gly761Ala)

Genes: ATRIP (ATR interacting protein; plus strand), ATRIP-TREX1 (ATRIP-TREX1 readthrough; plus strand). Cytogenetic location: 3p21.31.
Variant type: single nucleotide variant.
Coding change: c.2282G>C on transcript NM_130384.3 (MANE Select); coding-DNA position 2282, G replaced by C.
Protein change: p.Gly761Ala; replaces glycine 761 with alanine.
Molecular consequence: missense variant. On other transcripts: non-coding transcript variant (1).
Genome position (GRCh38, 1-based): chr3:48,465,057, G>C. VCF-style: chr3-48465057-G-C. GRCh37 (hg19) VCF-style: chr3-48506456-G-C.
Other names: c.1901G>C, p.Gly634Ala (NM_001271022.2); c.2003G>C, p.Gly668Ala (NM_001271023.2); c.2201G>C, p.Gly734Ala (NM_032166.4); short protein forms G668A, G734A, G761A, G634A.
Identifiers: ClinVar variation 4644600 (VCV004644600.1).